The following is an entry in ClinVar:

ClinVar aggregate classification (germline): Pathogenic (1 of 4 stars; one submission).

Submission:

Labcorp Genetics (formerly Invitae), Labcorp
Classification: Pathogenic. Last evaluated: 2024-06-04. Review status: criteria provided, single submitter. Criteria: Invitae Variant Classification Sherloc (09022015). Collection method: clinical testing. Allele origin: germline.
Comment: This sequence change creates a premature translational stop signal (p.Ala179Leufs*7) in the PORCN gene. It is expected to result in an absent or disrupted protein product. Loss-of-function variants in PORCN are known to be pathogenic (PMID: 17546030, 19309688). This variant is not present in population databases (gnomAD no frequency). This variant has not been reported in the literature in individuals affected with PORCN-related conditions. For these reasons, this variant has been classified as Pathogenic.

Literature cited by the submitters: PubMed 17546030; PubMed 19309688.

NM_203475.3(PORCN):c.534del (p.Ala179fs)

Gene: PORCN (porcupine O-acyltransferase; plus strand). Cytogenetic location: Xp11.23.
Variant type: Deletion.
Coding change: c.534del on transcript NM_203475.3 (MANE Select); coding-DNA position 534, one base deleted (A; older notation c.534delA).
Protein change: p.Ala179fs; shifts the reading frame from alanine 179.
Molecular consequence: frameshift variant.
Genome position (GRCh38, 1-based): chrX:48,512,486, A deleted; the last of 2 consecutive A bases (chrX:48,512,485-48,512,486); deleting either gives the same sequence. VCF-style (leftmost placement, unchanged base first): chrX-48512484-CA-C. GRCh37 (hg19) VCF-style: chrX-48370872-CA-C.
Other names: c.321del, p.Ala108fs (NM_001282167.2); c.534del, p.Ala179fs (NM_022825.4, NM_203473.3, NM_203474.1); short protein forms A108fs, A179fs.
Identifiers: ClinVar variation 3655543 (VCV003655543.2).